The following is an entry in ClinVar:

ClinVar aggregate classification (germline): Conflicting classifications of pathogenicity. Review status: criteria provided, conflicting classifications (1 of 4 stars). 6 submissions from 6 submitters: Uncertain significance (3); Likely benign (3). Last evaluated 2026-06-10.

Conditions:
AARS1-related disorder. Also called: AARS1-related condition.
Charcot-Marie-Tooth disease type 2. Also called: Charcot-Marie-Tooth type 2. Identifiers: Orphanet 64746, MedGen C0270914, MONDO:0018993.
Charcot-Marie-Tooth disease axonal type 2N (CMT2N). Also called: Charcot-Marie-Tooth Neuropathy Type 2N; CHARCOT-MARIE-TOOTH DISEASE, AXONAL, AUTOSOMAL DOMINANT, TYPE 2N; CHARCOT-MARIE-TOOTH NEUROPATHY, AXONAL, TYPE 2N. Identifiers: Orphanet 228174, MedGen C2750090, MONDO:0013212, OMIM 613287.
Inborn genetic diseases. Identifiers: MedGen C0950123, MeSH D030342.

Allele frequency attached by ClinVar (database versions not stated): gnomAD 0.00010; TOPMed 0.00014.
gnomAD v4.1: 210 of 1,614,044 alleles (0.013%); highest among the groups gnomAD compares: Non-Finnish European, 0.017%; no homozygotes.

Submissions (7):

Women's Health and Genetics/Laboratory Corporation of America, LabCorp
Classification: Uncertain significance. Last evaluated: 2026-06-10. Review status: criteria provided, single submitter. Criteria: LabCorp Variant Classification Summary - May 2015. Collection method: clinical testing. Allele origin: germline.
Comment: Variant summary: AARS1 c.333+3A>C alters a conserved nucleotide located close to a canonical splice site and therefore could affect mRNA splicing, leading to a significantly altered protein sequence. Consensus agreement among computation tools predict no significant impact on normal splicing. However, these predictions have yet to be confirmed by functional studies. The variant allele was found at a frequency of 3.9e-05 in 282872 control chromosomes. This frequency is not significantly higher than estimated for disease-causing variants in AARS1, allowing no conclusion about variant significance. To our knowledge, no occurrence of c.333+3A>C in individuals affected with AARS1-related conditions and no experimental evidence demonstrating its impact on protein function have been reported. ClinVar contains an entry for this variant (Variation ID: 320354). Based on the evidence outlined above, the variant was classified as uncertain significance.

Labcorp Genetics (formerly Invitae), Labcorp
Classification: Uncertain significance for Charcot-Marie-Tooth disease type 2. Last evaluated: 2025-10-19. Review status: criteria provided, single submitter. Criteria: Invitae Variant Classification Sherloc (09022015). Collection method: clinical testing. Allele origin: germline.
Comment: This sequence change falls in intron 3 of the AARS gene. It does not directly change the encoded amino acid sequence of the AARS protein. It affects a nucleotide within the consensus splice site. This variant is present in population databases (rs747431164, gnomAD 0.009%). This variant has not been reported in the literature in individuals affected with AARS-related conditions. ClinVar contains an entry for this variant (Variation ID: 320354). Variants that disrupt the consensus splice site are a relatively common cause of aberrant splicing (PMID: 17576681, 9536098). Algorithms developed to predict the effect of sequence changes on RNA splicing suggest that this variant is not likely to affect RNA splicing. In summary, the available evidence is currently insufficient to determine the role of this variant in disease. Therefore, it has been classified as a Variant of Uncertain Significance.

PreventionGenetics, part of Exact Sciences
Classification: Likely benign for AARS1-related condition. Last evaluated: 2025-05-29. Review status: criteria provided, single submitter. Criteria: ACMG Guidelines, 2015. Collection method: clinical testing. Allele origin: germline.
Comment: This variant is classified as likely benign based on ACMG/AMP sequence variant interpretation guidelines (Richards et al. 2015 PMID: 25741868, with internal and published modifications).

Mayo Clinic Laboratories, Mayo Clinic
Classification: Likely benign. Last evaluated: 2025-04-22. Review status: criteria provided, single submitter. Criteria: ACMG Guidelines, 2015. Collection method: clinical testing. Allele origin: germline. Observed: 1 variant allele.
Comment: BP4, BP7

Ambry Genetics
Classification: Likely benign for Inborn genetic diseases. Last evaluated: 2019-09-18. Review status: criteria provided, single submitter. Criteria: Ambry Variant Classification Scheme 2023. Collection method: clinical testing. Allele origin: germline.

Illumina Laboratory Services, Illumina
Classification: Uncertain significance for Charcot-Marie-Tooth disease axonal type 2N. Last evaluated: 2018-01-13. Review status: criteria provided, single submitter. Criteria: ICSL Variant Classification Criteria 13 December 2019. Collection method: clinical testing. Allele origin: germline.

Dr. Peter K. Rogan Lab, Western University
No classification provided (evidence only). Condition: Thymoma. Review status: no classification provided. Collection method: in vitro. Allele origin: not applicable. Functional consequence: skipped exon. Not counted in ClinVar's aggregate classification.

Literature cited by the submitters: PubMed 17576681 (cited by Labcorp Genetics (formerly Invitae), Labcorp); PubMed 9536098 (cited by Labcorp Genetics (formerly Invitae), Labcorp).

NM_001605.3(AARS1):c.333+3A>C

Gene: AARS1 (alanyl-tRNA synthetase 1; minus strand). Cytogenetic location: 16q22.1.
Variant type: single nucleotide variant.
Coding change: c.333+3A>C on transcript NM_001605.3 (MANE Select); 3 bases into the intron after coding-DNA position 333, A replaced by C.
Molecular consequence: intron variant.
Genome position (GRCh38, 1-based): chr16:70,276,963, T>G on the plus strand (A>C on the coding strand, the complement: AARS1 is on the minus strand). VCF-style: chr16-70276963-T-G. GRCh37 (hg19) VCF-style: chr16-70310866-T-G.
Other names: p.?.
Identifiers: ClinVar variation 320354 (VCV000320354.17), dbSNP rs747431164, ClinGen allele CA8141171.